The following is an entry in ClinVar:

NM_000430.4(PAFAH1B1):c.944C>G (p.Ser315Cys)

Gene: PAFAH1B1 (platelet activating factor acetylhydrolase 1b regulatory subunit 1; plus strand). Cytogenetic location: 17p13.3.
Variant type: single nucleotide variant.
Coding change: c.944C>G on transcript NM_000430.4 (MANE Select); coding-DNA position 944, C replaced by G.
Protein change: p.Ser315Cys; replaces serine 315 with cysteine.
Molecular consequence: missense variant.
Genome position (GRCh38, 1-based): chr17:2,676,548, C>G. VCF-style: chr17-2676548-C-G. GRCh37 (hg19) VCF-style: chr17-2579842-C-G.
Other names: short protein forms S315C.
Identifiers: ClinVar variation 5020911 (VCV005020911.1).

ClinVar aggregate classification (germline): Uncertain significance (1 of 4 stars; one submission).

Submission:

Dasa
Classification: Uncertain significance. Last evaluated: 2025-07-23. Review status: criteria provided, single submitter. Criteria: DASA Assertion Criteria. Collection method: clinical testing. Allele origin: germline.
Comment: NM_000430.4(PAFAH1B1):c.944C>G (p.Ser315Cys) is a missense variant that results in the substitution of serine with cysteine. This variant is absent from population databases. Computational prediction algorithms are consistent with a deleterious effect. The currently available literature and clinical evidence are not sufficient to establish a definitive association between this variant and the reported condition. Therefore, this variant is classified as a variant of uncertain significance.